The following is an entry in ClinVar:

ClinVar aggregate classification (germline): Pathogenic (1 of 4 stars; one submission).

Submission:

Quest Diagnostics Nichols Institute San Juan Capistrano
Classification: Pathogenic. Last evaluated: 2022-05-09. Review status: criteria provided, single submitter. Criteria: ACMG/ClinGen CNV Guidelines, 2019. Collection method: clinical testing. Allele origin: unknown.
Comment: This 8q23.3 deletion is expected to cause phenotypic and/or developmental abnormalities. This deletion involves at least exon 5 of TRPS1. Deletion of exon 5 or deletion of exons 4-5 are both out-of-frame deletions. Haploinsufficiency of the TRPS1 gene has been associated with autosomal dominant Trichorhinophalangealsyndrome, type I & III (OMIM 190350 & 190351), which are malformation syndromes characterized by distinctive craniofacial andskeletal abnormalities. Type 3 differs from type 1 by the presence of severe brachydactyly due to short metacarpals and severe shorts tature. Exon 5 deletions of TRPS1 have been reported (Bruno et al., Hum Mutat. 2011 Dec;32(12):1500-6. PMID: 21850686; Maas et al., EurJ Med Genet. 2015 May;58(5):279-92. PMID: 25792522).

GRCh37/hg19 8q23.3(chr8:116454726-116614300)x1

Gene: TRPS1 (transcriptional repressor GATA binding 1; minus strand). Cytogenetic location: 8q23.3.
Variant type: copy number loss.
Change: copy number 1 (one copy instead of two) of chr8:116,454,726-116,614,300 (159.6 kb, GRCh37 coordinates, 1-based), cytogenetic band 8q23.3.
Identifiers: ClinVar variation 1808099 (VCV001808099.1).